The following is an entry in ClinVar:

ClinVar aggregate classification (germline): Conflicting classifications of pathogenicity. Review status: criteria provided, conflicting classifications (1 of 4 stars). 2 submissions from 2 submitters: Uncertain significance (1); Likely benign (1). Last evaluated 2025-02-20.

Conditions:
Short-rib thoracic dysplasia 13 with or without polydactyly (SRTD13). Identifiers: Orphanet 474, MedGen C4225378, MONDO:0014577, OMIM 616300.
Inborn genetic diseases. Identifiers: MedGen C0950123, MeSH D030342.

Allele frequency attached by ClinVar (database versions not stated): TOPMed 0.00001.
gnomAD v4.1: 13 of 1,613,434 alleles (0.00081%); highest among the groups gnomAD compares: Admixed American, 0.018%; no homozygotes.

Submissions (2):

Ambry Genetics
Classification: Likely benign for Inborn genetic diseases. Last evaluated: 2025-02-20. Review status: criteria provided, single submitter. Criteria: Ambry Variant Classification Scheme 2023. Collection method: clinical testing. Allele origin: germline.

Labcorp Genetics (formerly Invitae), Labcorp
Classification: Uncertain significance for Short-rib thoracic dysplasia 13 with or without polydactyly. Last evaluated: 2022-10-07. Review status: criteria provided, single submitter. Criteria: Invitae Variant Classification Sherloc (09022015). Collection method: clinical testing. Allele origin: germline.
Comment: This sequence change replaces proline, which is neutral and non-polar, with alanine, which is neutral and non-polar, at codon 634 of the CEP120 protein (p.Pro634Ala). This variant is present in population databases (rs748599073, gnomAD 0.03%). This variant has not been reported in the literature in individuals affected with CEP120-related conditions. ClinVar contains an entry for this variant (Variation ID: 1386945). Advanced modeling of protein sequence and biophysical properties (such as structural, functional, and spatial information, amino acid conservation, physicochemical variation, residue mobility, and thermodynamic stability) performed at Invitae indicates that this missense variant is not expected to disrupt CEP120 protein function. In summary, the available evidence is currently insufficient to determine the role of this variant in disease. Therefore, it has been classified as a Variant of Uncertain Significance.

NM_001375405.1(CEP120):c.1900C>G (p.Pro634Ala)

Gene: CEP120 (centrosomal protein 120; minus strand). Cytogenetic location: 5q23.2.
Variant type: single nucleotide variant.
Coding change: c.1900C>G on transcript NM_001375405.1 (MANE Select); coding-DNA position 1900, C replaced by G.
Protein change: p.Pro634Ala; replaces proline 634 with alanine.
Molecular consequence: missense variant. On other transcripts: non-coding transcript variant (1).
Genome position (GRCh38, 1-based): chr5:123,382,850, G>C on the plus strand (C>G on the coding strand, the complement: CEP120 is on the minus strand). VCF-style: chr5-123382850-G-C. GRCh37 (hg19) VCF-style: chr5-122718544-G-C.
Other names: c.1822C>G, p.Pro608Ala (NM_001166226.2); c.1765C>G, p.Pro589Ala (NM_001375406.1); c.1900C>G, p.Pro634Ala (NM_001375407.1, NM_153223.4); c.1327C>G, p.Pro443Ala (NM_001375408.1, NM_001375409.1); c.1900C>G (NM_153223.3); short protein forms P589A, P608A, P443A, P634A.
Identifiers: ClinVar variation 1386945 (VCV001386945.4), dbSNP rs748599073, ClinGen allele CA3386816.